The following is an entry in ClinVar:

ClinVar aggregate classification (germline): Conflicting classifications of pathogenicity. Review status: criteria provided, conflicting classifications (1 of 4 stars). 4 submissions from 4 submitters: Uncertain significance (3); Likely benign (1). Last evaluated 2025-11-04.

Conditions:
Hereditary cancer-predisposing syndrome. Also called: Neoplastic Syndromes, Hereditary; Tumor predisposition; Hereditary neoplastic syndrome; Hereditary Cancer Syndrome. Identifiers: Orphanet 140162, MedGen C0027672, MeSH D009386, MONDO:0015356.
Hereditary breast ovarian cancer syndrome. Also called: BRCA1- and BRCA2-Associated Hereditary Breast and Ovarian Cancer; Hereditary breast and ovarian cancer; Hereditary breast and ovarian cancer syndrome; Hereditary breast and ovarian cancer syndrome (HBOC); Breast and ovarian cancer; Hereditary breast and/or ovarian cancer syndrome. Identifiers: Orphanet 145, MedGen C0677776, MeSH D061325, MONDO:0003582. Disease mechanism: loss of function.

Submissions (4):

Ambry Genetics
Classification: Uncertain significance for Hereditary cancer-predisposing syndrome. Last evaluated: 2025-11-04. Review status: criteria provided, single submitter. Criteria: Ambry Variant Classification Scheme 2023. Collection method: clinical testing. Allele origin: germline.
Comment: The p.S915T variant (also known as c.2743T>A), located in coding exon 9 of the BRCA1 gene, results from a T to A substitution at nucleotide position 2743. The serine at codon 915 is replaced by threonine, an amino acid with similar properties. This amino acid position is conserved. In addition, the in silico prediction for this alteration is inconclusive. Based on the available evidence, the clinical significance of this variant remains unclear.

Labcorp Genetics (formerly Invitae), Labcorp
Classification: Uncertain significance for Hereditary breast ovarian cancer syndrome. Last evaluated: 2025-01-22. Review status: criteria provided, single submitter. Criteria: Invitae Variant Classification Sherloc (09022015). Collection method: clinical testing. Allele origin: germline.
Comment: This sequence change replaces serine, which is neutral and polar, with threonine, which is neutral and polar, at codon 915 of the BRCA1 protein (p.Ser915Thr). This variant is not present in population databases (gnomAD no frequency). This variant has not been reported in the literature in individuals affected with BRCA1-related conditions. ClinVar contains an entry for this variant (Variation ID: 1351199). Invitae Evidence Modeling of protein sequence and biophysical properties (such as structural, functional, and spatial information, amino acid conservation, physicochemical variation, residue mobility, and thermodynamic stability) has been performed for this missense variant. However, the output from this modeling did not meet the statistical confidence thresholds required to predict the impact of this variant on BRCA1 protein function. In summary, the available evidence is currently insufficient to determine the role of this variant in disease. Therefore, it has been classified as a Variant of Uncertain Significance.

University of Washington Department of Laboratory Medicine, University of Washington
Classification: Likely benign for Hereditary cancer-predisposing syndrome. Last evaluated: 2023-03-23. Review status: criteria provided, single submitter. Criteria: Dines et al. (Genet Med. 2020). Collection method: curation. Allele origin: germline.
Comment: Missense variant in a coldspot region where missense variants are very unlikely to be pathogenic (PMID:31911673).

BRCA1 coldspot (exon 11 using historical exon numbering). Reclassification based on statistical prior probability

Color Diagnostics, LLC DBA Color Health
Classification: Uncertain significance for Hereditary cancer-predisposing syndrome. Last evaluated: 2022-02-07. Review status: criteria provided, single submitter. Criteria: ACMG Guidelines, 2015. Collection method: clinical testing. Allele origin: germline.
Comment: This missense variant replaces serine with threonine at codon 915 of the BRCA1 protein. Computational prediction suggests that this variant may not impact protein structure and function (internally defined REVEL score threshold <= 0.5, PMID: 27666373). To our knowledge, functional studies have not been reported for this variant. This variant has not been reported in individuals affected with hereditary cancer in the literature. This variant has not been identified in the general population by the Genome Aggregation Database (gnomAD). The available evidence is insufficient to determine the role of this variant in disease conclusively. Therefore, this variant is classified as a Variant of Uncertain Significance.

NM_007294.4(BRCA1):c.2743T>A (p.Ser915Thr)

Gene: BRCA1 (BRCA1 DNA repair associated; minus strand). Cytogenetic location: 17q21.31.
Variant type: single nucleotide variant.
Coding change: c.2743T>A on transcript NM_007294.4 (MANE Select); coding-DNA position 2743, T replaced by A.
Protein change: p.Ser915Thr; replaces serine 915 with threonine.
Molecular consequence: missense variant. On other transcripts: intron variant (137).
Genome position (GRCh38, 1-based): chr17:43,092,788, A>T on the plus strand (T>A on the coding strand, the complement: BRCA1 is on the minus strand). VCF-style: chr17-43092788-A-T. GRCh37 (hg19) VCF-style: chr17-41244805-A-T.
Other names: c.2530T>A, p.Ser844Thr (NM_001407571.1, NM_001407853.1, NM_001407894.1 and 9 more transcripts); c.2743T>A, p.Ser915Thr (NM_001407581.1, NM_001407582.1, NM_001407583.1 and 30 more transcripts); c.2740T>A, p.Ser914Thr (NM_001407587.1, NM_001407590.1, NM_001407591.1 and 22 more transcripts); c.2734T>A, p.Ser912Thr (NM_001407646.1, NM_001407647.1); c.2620T>A, p.Ser874Thr (NM_001407648.1, NM_001407664.1, NM_001407665.1 and 19 more transcripts); c.2617T>A, p.Ser873Thr (NM_001407649.1, NM_001407670.1, NM_001407671.1 and 11 more transcripts); c.2665T>A, p.Ser889Thr (NM_001407653.1, NM_001407654.1, NM_001407655.1 and 4 more transcripts); c.2662T>A, p.Ser888Thr (NM_001407659.1, NM_001407660.1, NM_001407661.1 and 1 more transcripts); and 41 more; short protein forms S868T, S915T, S787T, S827T, S873T, S874T, S914T, S747T.
Identifiers: ClinVar variation 1351199 (VCV001351199.14), dbSNP rs2154361863, ClinGen allele CA10596504.
Genomic context (GRCh38, chr17:43,092,788, plus strand): 5'-TCTGACCAACCACAGGAAAGCCTGCAGTGATATTAACTGTCTGTACAGGCTTGATATTAG[A>T]CTCATTCTTTCCTTGATTTTCTTCCTTTTGTTCACATTCAAAAGTGACTTTTGGACTTTG-3'
Protein context (NP_009225.1, residues 905-925): QKEENQGKNE[Ser915Thr]NIKPVQTVNI